The following is an entry in ClinVar:

NM_000059.4(BRCA2):c.9413del (p.Leu3138fs)

Gene: BRCA2 (BRCA2 DNA repair associated; plus strand). Cytogenetic location: 13q13.1.
Variant type: Deletion.
Coding change: c.9413del on transcript NM_000059.4 (MANE Select); coding-DNA position 9413, one base deleted (T; older notation c.9413delT).
Protein change: p.Leu3138fs; shifts the reading frame from leucine 3138.
Molecular consequence: frameshift variant. On other transcripts: non-coding transcript variant (1).
Genome position (GRCh38, 1-based): chr13:32,394,845, T deleted; the last of 3 consecutive T bases (chr13:32,394,843-32,394,845); deleting any one gives the same sequence. VCF-style (leftmost placement, unchanged base first): chr13-32394842-CT-C. GRCh37 (hg19) VCF-style: chr13-32968979-CT-C.
Other names: c.9317del, p.Leu3106fs (NM_001406719.1); c.9362del, p.Leu3121fs (NM_001406720.1); c.4481del, p.Leu1494fs (NM_001406721.1); c.2996del, p.Leu999fs (NM_001406722.1); c.9413del, p.Leu3138fs (NM_001432077.1); short protein forms L3106fs, L999fs, L3138fs, L3121fs, L1494fs.
Identifiers: ClinVar variation 3640433 (VCV003640433.2).

ClinVar aggregate classification (germline): Pathogenic (1 of 4 stars; one submission).

Conditions:
Hereditary breast ovarian cancer syndrome. Also called: BRCA1- and BRCA2-Associated Hereditary Breast and Ovarian Cancer; Hereditary breast and/or ovarian cancer syndrome; Hereditary breast and ovarian cancer syndrome; Hereditary breast and ovarian cancer syndrome (HBOC); Breast and ovarian cancer; Hereditary breast and ovarian cancer. Identifiers: Orphanet 145, MedGen C0677776, MeSH D061325, MONDO:0003582. Disease mechanism: loss of function.

Submission:

Labcorp Genetics (formerly Invitae), Labcorp
Classification: Pathogenic for Hereditary breast ovarian cancer syndrome. Last evaluated: 2024-02-13. Review status: criteria provided, single submitter. Criteria: Invitae Variant Classification Sherloc (09022015). Collection method: clinical testing. Allele origin: germline.
Comment: This sequence change creates a premature translational stop signal (p.Leu3138Tyrfs*25) in the BRCA2 gene. It is expected to result in an absent or disrupted protein product. Loss-of-function variants in BRCA2 are known to be pathogenic (PMID: 20104584). This variant is not present in population databases (gnomAD no frequency). This variant has not been reported in the literature in individuals affected with BRCA2-related conditions. For these reasons, this variant has been classified as Pathogenic.

Literature cited by the submitters: PubMed 20104584.